The following is an entry in ClinVar:

NM_178140.4(PDZD2):c.3249C>T (p.Ser1083=)

Gene: PDZD2 (PDZ domain containing 2; plus strand). Cytogenetic location: 5p13.3.
Variant type: single nucleotide variant.
Coding change: c.3249C>T on transcript NM_178140.4 (MANE Select); coding-DNA position 3249, C replaced by T.
Protein change: p.Ser1083=; no amino-acid change (serine 1083 retained).
Molecular consequence: synonymous variant.
Genome position (GRCh38, 1-based): chr5:32,074,355, C>T. VCF-style: chr5-32074355-C-T. GRCh37 (hg19) VCF-style: chr5-32074461-C-T.
Identifiers: ClinVar variation 3048908 (VCV003048908.2), dbSNP rs151116909, ClinGen allele CA3219412.

ClinVar aggregate classification (germline): Likely benign (0 of 4 stars; one submission).

Conditions:
PDZD2-related disorder. Also called: PDZD2-related condition.

Allele frequency attached by ClinVar (database versions not stated): gnomAD exomes 0.00019; ExAC 0.00054; 1000 Genomes Project 30x 0.00141; gnomAD 0.00159; 1000 Genomes Project 0.00160; TOPMed 0.00188; ESP Exome Variant Server 0.00215.
gnomAD v4.1: 526 of 1,614,200 alleles (0.033%); highest among the groups gnomAD compares: African/African-American, 0.57%; no homozygotes.

Submission:

PreventionGenetics, part of Exact Sciences
Classification: Likely benign for PDZD2-related condition. Last evaluated: 2019-11-25. Review status: no assertion criteria provided. Collection method: clinical testing. Allele origin: germline.
Comment: This variant is classified as likely benign based on ACMG/AMP sequence variant interpretation guidelines (Richards et al. 2015 PMID: 25741868, with internal and published modifications).